The following is an entry in ClinVar:

ClinVar aggregate classification (germline): Uncertain significance (1 of 4 stars; one submission).

Conditions:
Progressive myoclonic epilepsy type 8. Identifiers: Orphanet 424027, MedGen C5190825, MONDO:0014545, OMIM 616230.

Submission:

Labcorp Genetics (formerly Invitae), Labcorp
Classification: Uncertain significance for Progressive myoclonic epilepsy type 8. Last evaluated: 2021-03-22. Review status: criteria provided, single submitter. Criteria: Invitae Variant Classification Sherloc (09022015). Collection method: clinical testing. Allele origin: germline.
Comment: This sequence change replaces aspartic acid with glycine at codon 147 of the CERS1 protein (p.Asp147Gly). The aspartic acid residue is highly conserved and there is a moderate physicochemical difference between aspartic acid and glycine. This variant is not present in population databases (ExAC no frequency). This variant has not been reported in the literature in individuals with CERS1-related conditions. Algorithms developed to predict the effect of missense changes on protein structure and function are either unavailable or do not agree on the potential impact of this missense change (SIFT: "Tolerated"; PolyPhen-2: "Possibly Damaging"; Align-GVGD: "Class C0"). In summary, the available evidence is currently insufficient to determine the role of this variant in disease. Therefore, it has been classified as a Variant of Uncertain Significance.

NM_021267.5(CERS1):c.440A>G (p.Asp147Gly)

Genes: CERS1 (ceramide synthase 1; minus strand), GDF1 (growth differentiation factor 1; minus strand). Cytogenetic location: 19p13.11.
Variant type: single nucleotide variant.
Coding change: c.440A>G on transcript NM_021267.5 (MANE Select); coding-DNA position 440, A replaced by G.
Protein change: p.Asp147Gly; replaces aspartic acid 147 with glycine.
Molecular consequence: missense variant. On other transcripts: 5 prime UTR variant (2).
Genome position (GRCh38, 1-based): chr19:18,884,237, T>C on the plus strand (A>G on the coding strand, the complement: CERS1 is on the minus strand). VCF-style: chr19-18884237-T-C. GRCh37 (hg19) VCF-style: chr19-18995046-T-C.
Other names: c.146A>G, p.Asp49Gly (NM_001290265.2, NM_001387442.1, NM_001387443.1 and 2 more transcripts); c.440A>G, p.Asp147Gly (NM_001387439.1, NM_001387440.1, NM_001387441.1 and 1 more transcripts); c.-463A>G (NM_001387438.1); c.-883A>G (NM_001492.6); short protein forms D147G, D49G.
Identifiers: ClinVar variation 1479864 (VCV001479864.8), dbSNP rs2056291546, ClinGen allele CA404867123.